The following is an entry in ClinVar:

NM_001753.5(CAV1):c.179A>G (p.Asn60Ser)

Genes: CAV1 (caveolin 1; plus strand), LOC129999169 (ATAC-STARR-seq lymphoblastoid silent region 18558; plus strand). Cytogenetic location: 7q31.2.
Variant type: single nucleotide variant.
Coding change: c.179A>G on transcript NM_001753.5 (MANE Select); coding-DNA position 179, A replaced by G.
Protein change: p.Asn60Ser; replaces asparagine 60 with serine.
Molecular consequence: missense variant.
Genome position (GRCh38, 1-based): chr7:116,526,673, A>G. VCF-style: chr7-116526673-A-G. GRCh37 (hg19) VCF-style: chr7-116166727-A-G.
Other names: c.86A>G, p.Asn29Ser (NM_001172895.1, NM_001172896.2, NM_001172897.2); short protein forms N60S, N29S.
Identifiers: ClinVar variation 2240865 (VCV002240865.3), dbSNP rs1793570343, ClinGen allele CA369116903.

ClinVar aggregate classification (germline): Uncertain significance (1 of 4 stars; one submission).

Conditions:
Inborn genetic diseases. Identifiers: MedGen C0950123, MeSH D030342.

Allele frequency attached by ClinVar (database versions not stated): TOPMed below 0.00001.

Submission:

Ambry Genetics
Classification: Uncertain significance for Inborn genetic diseases. Last evaluated: 2026-02-19. Review status: criteria provided, single submitter. Criteria: Ambry Variant Classification Scheme 2023. Collection method: clinical testing. Allele origin: germline.
Comment: The p.N60S variant (also known as c.179A>G), located in coding exon 2 of the CAV1 gene, results from an A to G substitution at nucleotide position 179. The asparagine at codon 60 is replaced by serine, an amino acid with highly similar properties. This amino acid position is conserved. In addition, the in silico prediction for this alteration is inconclusive. Based on the available evidence, the clinical significance of this variant remains unclear.